The following is an entry in ClinVar:

NM_001164508.2(NEB):c.2975A>T (p.Lys992Met)

Gene: NEB (nebulin; minus strand). Cytogenetic location: 2q23.3.
Variant type: single nucleotide variant.
Coding change: c.2975A>T on transcript NM_001164508.2 (MANE Select); coding-DNA position 2975, A replaced by T.
Protein change: p.Lys992Met; replaces lysine 992 with methionine.
Molecular consequence: missense variant.
Genome position (GRCh38, 1-based): chr2:151,680,797, T>A on the plus strand (A>T on the coding strand, the complement: NEB is on the minus strand). VCF-style: chr2-151680797-T-A. GRCh37 (hg19) VCF-style: chr2-152537311-T-A.
Other names: c.2975A>T, p.Lys992Met (NM_004543.5, NM_001164507.2, NM_001271208.2); short protein forms K992M.
Identifiers: ClinVar variation 1948102 (VCV001948102.2), dbSNP rs2552264011, ClinGen allele CA348821126.

ClinVar aggregate classification (germline): Uncertain significance (1 of 4 stars; one submission).

Conditions:
Nemaline myopathy 2 (NEM2). Also called: Nemaline myopathy 2, autosomal recessive. Identifiers: MedGen C1850569, MONDO:0009725, OMIM 256030.

Submission:

Labcorp Genetics (formerly Invitae), Labcorp
Classification: Uncertain significance for Nemaline myopathy 2. Last evaluated: 2021-05-04. Review status: criteria provided, single submitter. Criteria: Invitae Variant Classification Sherloc (09022015). Collection method: clinical testing. Allele origin: germline.
Comment: This sequence change replaces lysine with methionine at codon 992 of the NEB protein (p.Lys992Met). The lysine residue is moderately conserved and there is a moderate physicochemical difference between lysine and methionine. This variant is not present in population databases (ExAC no frequency). This variant has not been reported in the literature in individuals with NEB-related conditions. Algorithms developed to predict the effect of missense changes on protein structure and function are either unavailable or do not agree on the potential impact of this missense change (SIFT: "Deleterious"; PolyPhen-2: "Not Available"; Align-GVGD: "Class C0"). In summary, the available evidence is currently insufficient to determine the role of this variant in disease. Therefore, it has been classified as a Variant of Uncertain Significance.